The following is an entry in ClinVar:

NM_000215.4(JAK3):c.1951C>T (p.Arg651Trp)

Gene: JAK3 (Janus kinase 3; minus strand). Cytogenetic location: 19p13.11.
Variant type: single nucleotide variant.
Coding change: c.1951C>T on transcript NM_000215.4 (MANE Select); coding-DNA position 1951, C replaced by T.
Protein change: p.Arg651Trp; replaces arginine 651 with tryptophan.
Molecular consequence: missense variant.
Genome position (GRCh38, 1-based): chr19:17,835,179, G>A on the plus strand (C>T on the coding strand, the complement: JAK3 is on the minus strand). VCF-style: chr19-17835179-G-A. GRCh37 (hg19) VCF-style: chr19-17945988-G-A.
Other names: NM_000215.4(JAK3):c.1951C>T; p.Arg651Trp; short protein forms R651W.
Identifiers: ClinVar variation 2736844 (VCV002736844.5), dbSNP rs747131454, ClinGen allele CA9301715.

ClinVar aggregate classification (germline): Likely pathogenic. Review status: reviewed by expert panel (3 of 4 stars). 3 submissions from 3 submitters: Likely pathogenic (1). 2 of the submissions do not count toward it. Last evaluated 2026-09-28.

Conditions:
T-B+ severe combined immunodeficiency due to JAK3 deficiency. Also called: SCID, T CELL-NEGATIVE, B CELL-POSITIVE, NK CELL-NEGATIVE; SCID, autosomal recessive, T-negative/B-positive type. Identifiers: Orphanet 35078, MedGen C1833275, MONDO:0010938, OMIM 600802.

Allele frequency attached by ClinVar (database versions not stated): gnomAD exomes 0.00001; TOPMed below 0.00001; ExAC 0.00001.
gnomAD v4.1: 14 of 1,614,182 alleles (0.00087%); highest among the groups gnomAD compares: South Asian, 0.0033%; no homozygotes.

Submissions (3):

ClinGen Severe Combined Immunodeficiency Variant Curation Expert Panel, ClinGen
Classification: Likely pathogenic for T-B+ severe combined immunodeficiency due to JAK3 deficiency. Last evaluated: 2026-09-28. Review status: reviewed by expert panel. Criteria: ClinGen SCID ACMG Specifications JAK3 V2.3. Collection method: curation. Allele origin: germline. Inheritance: Autosomal recessive inheritance.
Comment: NM_000215.4(JAK3):c.1951C>T is a missense variant predicted to result in the substitution of arginine with tryptophan at amino acid 651 (p.Arg651Trp), located within the JH2 (pseudokinase) domain of JAK3. The Grpmax filtering allele frequency of this variant is 0.00000875 (South Asian) in gnomAD v4.1.1, which is lower than the ClinGen SCID VCEP threshold (<0.000115) for PM2_Supporting for JAK3, therefore meets this criterion (PM2_Supporting). No homozygotes have been observed, and the variant does not meet BS1, BS2, or BA1. This variant is one of the two JH2 domain missense alterations, R651W and C759R, specified by the SCID VCEP as meeting PM1 (PMID: 11668610), therefore meets this criterion (PM1). This variant has been identified in the homozygous state in two affected probands from two unrelated families in which consanguinity was not reported and genetic ancestry could not be determined; consanguinity is therefore assumed (PMID: 31589898; PMID: 11668621, Patient #6) (0.5 point each). Total: 2.0 points, meeting the threshold for PM3_Strong. This proband developed GvHD due to maternal T-cell engraftment, meeting PIDTC 2022 SCID diagnostic criteria (0.5 point). Total: 1.0 point, meeting the threshold for PP4. In summary, this variant meets the criteria to be classified as Likely Pathogenic for autosomal recessive severe combined immunodeficiency due to JAK3 deficiency based on the ACMG/AMP criteria applied, as specified by the ClinGen SCID VCEP: PM3_Strong, PM1, PP4, PM2_Supporting (VCEP specifications version 2.3).

Fulgent Genetics
Classification: Likely pathogenic for T-B+ severe combined immunodeficiency due to JAK3 deficiency. Last evaluated: 2024-01-12. Review status: criteria provided, single submitter. Criteria: ACMG Guidelines, 2015. Collection method: clinical testing. Allele origin: germline. Not counted in ClinVar's aggregate classification.

Labcorp Genetics (formerly Invitae), Labcorp
Classification: Pathogenic for T-B+ severe combined immunodeficiency due to JAK3 deficiency. Last evaluated: 2023-04-09. Review status: criteria provided, single submitter. Criteria: Invitae Variant Classification Sherloc (09022015). Collection method: clinical testing. Allele origin: germline. Not counted in ClinVar's aggregate classification.
Comment: For these reasons, this variant has been classified as Pathogenic. Studies have shown that this missense change alters JAK3 gene expression (PMID: 30032486). Advanced modeling of protein sequence and biophysical properties (such as structural, functional, and spatial information, amino acid conservation, physicochemical variation, residue mobility, and thermodynamic stability) performed at Invitae indicates that this missense variant is expected to disrupt JAK3 protein function. This missense change has been observed in individuals with severe combined immunodeficiency (PMID: 11668621, 30032486, 31589898). This variant is present in population databases (rs747131454, gnomAD 0.003%). This sequence change replaces arginine, which is basic and polar, with tryptophan, which is neutral and slightly polar, at codon 651 of the JAK3 protein (p.Arg651Trp).

Literature cited by the submitters: PubMed 30032486 (cited by Labcorp Genetics (formerly Invitae), Labcorp); PubMed 11668621 (cited by Labcorp Genetics (formerly Invitae), Labcorp); PubMed 31589898 (cited by Labcorp Genetics (formerly Invitae), Labcorp).